The following is an entry in ClinVar:

NM_000238.4(KCNH2):c.524C>A (p.Ala175Asp)

Gene: KCNH2 (potassium voltage-gated channel subfamily H member 2; minus strand). Cytogenetic location: 7q36.1.
Variant type: single nucleotide variant.
Coding change: c.524C>A on transcript NM_000238.4 (MANE Select); coding-DNA position 524, C replaced by A.
Protein change: p.Ala175Asp; replaces alanine 175 with aspartic acid.
Molecular consequence: missense variant.
Genome position (GRCh38, 1-based): chr7:150,958,451, G>T on the plus strand (C>A on the coding strand, the complement: KCNH2 is on the minus strand). VCF-style: chr7-150958451-G-T. GRCh37 (hg19) VCF-style: chr7-150655539-G-T.
Other names: p.A175D:GCC>GAC; c.236C>A, p.Ala79Asp (NM_001406753.1, NM_001406756.1); c.347C>A, p.Ala116Asp (NM_001406755.1); c.224C>A, p.Ala75Asp (NM_001406757.1); c.524C>A, p.Ala175Asp (NM_172056.3); short protein forms A175D, A116D, A75D, A79D.
Identifiers: ClinVar variation 200211 (VCV000200211.19), dbSNP rs776541110, ClinGen allele CA008545.

ClinVar aggregate classification (germline): Likely benign. Review status: criteria provided, multiple submitters, no conflicts (2 of 4 stars). 5 submissions from 5 submitters: Likely benign (5). Last evaluated 2025-11-28.

Conditions:
Cardiovascular phenotype. Identifiers: MedGen CN230736.
Long QT syndrome (LQTS). Identifiers: MedGen C0023976, MeSH D008133, MONDO:0002442. Disease mechanism: loss of function. Inheritance: Various modes of inheritance.
Long QT syndrome 2 (LQT2). Identifiers: Orphanet 101016, Orphanet 768, MedGen C3150943, MONDO:0013367, OMIM 613688.

Allele frequency attached by ClinVar (database versions not stated): gnomAD 0.00002 and 0.00003; TOPMed 0.00003; gnomAD exomes 0.00010; ExAC 0.00022.

Submissions (5):

Labcorp Genetics (formerly Invitae), Labcorp
Classification: Likely benign for Long QT syndrome. Last evaluated: 2025-11-28. Review status: criteria provided, single submitter. Criteria: Invitae Variant Classification Sherloc (09022015). Collection method: clinical testing. Allele origin: germline.

Ambry Genetics
Classification: Likely benign for Cardiovascular phenotype. Last evaluated: 2023-08-18. Review status: criteria provided, single submitter. Criteria: Ambry Variant Classification Scheme 2023. Collection method: clinical testing. Allele origin: germline.

Blueprint Genetics
Classification: Likely benign. Last evaluated: 2023-04-20. Review status: criteria provided, single submitter. Criteria: ACMG Guidelines, 2015. Collection method: clinical testing. Allele origin: germline.

Illumina Laboratory Services, Illumina
Classification: Likely benign for Long QT syndrome 2. Last evaluated: 2018-01-13. Review status: criteria provided, single submitter. Criteria: ICSL Variant Classification Criteria 13 December 2019. Collection method: clinical testing. Allele origin: germline.
Comment: This variant was observed in the ICSL laboratory as part of a predisposition screen in an ostensibly healthy population. It had not been previously curated by ICSL or reported in the Human Gene Mutation Database (HGMD: prior to June 1st, 2018), and was therefore a candidate for classification through an automated scoring system. Utilizing variant allele frequency, disease prevalence and penetrance estimates, and inheritance mode, an automated score was calculated to assess if this variant is too frequent to cause the disease. Based on the score and internal cut-off values, a variant classified as likely benign is not then subjected to further curation. The score for this variant resulted in a classification of likely benign for this disease.

GeneDx
Classification: Likely benign. Last evaluated: 2017-11-24. Review status: criteria provided, single submitter. Criteria: GeneDx Variant Classification (06012015). Collection method: clinical testing. Allele origin: germline. Affected: yes.
Comment: This variant is considered likely benign or benign based on one or more of the following criteria: it is a conservative change, it occurs at a poorly conserved position in the protein, it is predicted to be benign by multiple in silico algorithms, and/or has population frequency not consistent with disease.